The following is an entry in ClinVar:

ClinVar aggregate classification (germline): Uncertain significance (1 of 4 stars; one submission).

Submission:

GeneDx
Classification: Uncertain significance. Last evaluated: 2024-07-03. Review status: criteria provided, single submitter. Criteria: GeneDx Variant Classification Process June 2021. Collection method: clinical testing. Allele origin: germline. Affected: yes.
Comment: Not observed at significant frequency in large population cohorts (gnomAD); In-frame insertion of 1 amino acid in a non-repeat region; Has not been previously published as pathogenic or benign to our knowledge

NM_001136157.2(OTUD5):c.1686_1688dup (p.Pro563_Asp564insPro)

Gene: OTUD5 (OTU deubiquitinase 5; minus strand). Cytogenetic location: Xp11.23.
Variant type: Duplication.
Coding change: c.1686_1688dup on transcript NM_001136157.2 (MANE Select); coding-DNA positions 1686 to 1688, 3 bases duplicated (CCC; older notation c.1686_1688dupCCC).
Protein change: p.Pro563_Asp564insPro.
Genome position (GRCh38, 1-based): chrX:48,923,187-48,923,189, GGG duplicated on the plus strand (CCC on the coding strand, the reverse complement: OTUD5 is on the minus strand); duplicating any 3 consecutive bases within chrX:48,923,187-48,923,191 gives the same sequence; the c. name uses the placement nearest the transcript's 3' end. VCF-style (leftmost placement, unchanged base first): chrX-48923186-T-TGGG. GRCh37 (hg19) VCF-style: chrX-48780463-T-TGGG.
Other names: c.1686_1688dup, p.Pro563_Asp564insPro (NM_001136158.2); c.1035_1037dup, p.Pro346_Asp347insPro (NM_001136159.2); c.1701_1703dup, p.Pro568_Asp569insPro (NM_017602.4).
Identifiers: ClinVar variation 3393879 (VCV003393879.1).